The following is an entry in ClinVar:

ClinVar aggregate classification (germline): Likely pathogenic. Review status: reviewed by expert panel (3 of 4 stars). 5 submissions from 5 submitters: Likely pathogenic (1). 4 of the submissions do not count toward it. Last evaluated 2026-04-08.

Conditions:
alpha Thalassemia. Also called: Alpha thalassemia spectrum. Identifiers: Orphanet 846, MedGen C0002312, MONDO:0011399, OMIM 604131.
Heinz body anemia. Also called: Heinz body hemolytic anemia. Identifiers: Orphanet 178330, MedGen C0700299, MONDO:0007705, OMIM 140700, HP:0005511.
Hemoglobin H disease (HBH). Also called: ALPHA-THALASSEMIA, HEMOGLOBIN H TYPE; HEMOGLOBIN H DISEASE, DELETIONAL; Hemoglobin H (HbH) Disease. Identifiers: Orphanet 93616, MedGen C3161174, MONDO:0013512, OMIM 613978. Disease mechanism: loss of function.
Erythrocytosis, familial, 7. Also called: ERYTHROCYTOSIS 7; ERYTHROCYTOSIS, ALPHA-GLOBIN TYPE; POLYCYTHEMIA, ALPHA-GLOBIN TYPE. Identifiers: MedGen C4693823, MONDO:0054802, OMIM 617981.
HBA2-related alpha thalassemia spectrum. Identifiers: MedGen CN377749, MONDO:0100562.

gnomAD v4.1: 1 of 1,606,102 alleles (0.000062%); highest among the groups gnomAD compares: Admixed American, 0.0017%; no homozygotes.

Submissions (5):

ClinGen Hemoglobinopathy Variant Curation Expert Panel, ClinGen
Classification: Likely pathogenic for HBA2-related alpha thalassemia spectrum. Last evaluated: 2026-04-08. Review status: reviewed by expert panel. Criteria: ClinGen Hb Opathy ACMG Specifications HBA2 V1.0.0. Collection method: curation. Allele origin: germline. Inheritance: Autosomal recessive inheritance.
Comment: The NM_000517.6(HBA2):c.313T>C variant in HBA2 is a missense variant predicted to cause substitution of cysteine by arginine at amino acid 104 (p.Cys105Arg). This variant has been reported in 5 individuals displaying a hematological phenotype consistent with α-thalassemia trait (reduced MCV and MCH excluding iron deficiency), giving a score of 0.9 [PS4_P; PMID: 23181747]. It has been detected in 2 homozygous individuals presenting with mild-to-moderate anemia with microcytic hypochromic red cell indices. Total PM3 points is 1 [PM3; Department of Clinical Hematology, Hospitais da Universidade de Coimbra]. Another missense variant [c.314G>A (p.Cys105Tyr); VCV000015656.4] in the same codon is considered to have valid evidence for pathogenicity by the VCEP [PMID: 36453528] and has been classified as pathogenic/likely pathogenic for alpha-thalassemia/HbH disease with a 2-star review status by ClinVar [PM5]. The minor allele frequency in gnomAD v4.1 is 6.226e-7 (1/1606102), which is lower than the ClinGen Hemoglobinopathy VCEP threshold <0.0001 for PM2_Supporting, and therefore meets this criterion. In summary, this variant meets the criteria to be classified as a likely pathogenic variant for HBA2-related alpha thalassemia spectrum (MONDO:0100562) in an autosomal recessive manner based on the ACMG/AMP criteria applied, as specified by the ClinGen Hemoglobinopathy VCEP ( (specification version 1.0.0): PM3, PM5, PM2_P, PS4_P.

Natera, Inc.
Classification: Likely pathogenic for Alpha thalassemia. Last evaluated: 2025-07-08. Review status: criteria provided, single submitter. Criteria: Natera Variant Classification Schema (03/2026). Collection method: clinical testing. Allele origin: germline. Not counted in ClinVar's aggregate classification.
Comment: The c.313T>C variant in HBA2 is a missense variant predicted to cause substitution of cysteine to arginine at amino acid 105. This variant is rare in the general population with a frequency below the threshold expected for the associated phenotype(s). This variant has been observed in one or more individuals affected with the associated recessive disease, as either homozygous or compound heterozygous with a second variant (PMID: 23181747, 26365411). Additionally, this variant has been observed to segregate in affected family members (PMID: 23181747). A different variant at the same position has been determined to be Pathogenic or Likely Pathogenic. Computational prediction algorithms indicate this variant is likely to affect gene or protein function. Given the available evidence, this variant is classified as Likely Pathogenic.

Fulgent Genetics
Classification: Likely pathogenic for Heinz body anemia; alpha Thalassemia; Hemoglobin H disease; Erythrocytosis, familial, 7. Last evaluated: 2024-05-17. Review status: criteria provided, single submitter. Criteria: ACMG Guidelines, 2015. Collection method: clinical testing. Allele origin: germline. Not counted in ClinVar's aggregate classification.

Women's Health and Genetics/Laboratory Corporation of America, LabCorp
Classification: Likely pathogenic for alpha Thalassemia. Last evaluated: 2024-05-15. Review status: criteria provided, single submitter. Criteria: LabCorp Variant Classification Summary - May 2015. Collection method: clinical testing. Allele origin: germline. Not counted in ClinVar's aggregate classification.
Comment: Variant summary: HBA2 c.313T>C (p.Cys105Arg; also known as Hb Iberia in the literature) results in a non-conservative amino acid change located in the globin domain (IPR000971) of the encoded protein sequence. Five of five in-silico tools predict a damaging effect of the variant on protein function. The variant was absent in 248064 control chromosomes (gnomAD). c.313T>C has been reported in the literature in individuals affected with clinical features of alpha Thalassemia (e.g. Deshpande_2015, Bento_2012). These data indicate that the variant is likely to be associated with disease. A functional study suggests that the variant results in an abnormal alpha2 chain that could not form a stable tetramer as the cysteine and arginine residues, located at the alpha1beta1 contact, differ in size, charge and hydrophobicity (Bento_2012). Additionally, another missense change at the same codon (e.g. p.Cys105Tyr), has been classified as pathogenic/likely pathogenic in ClinVar (Variation ID: 15656) suggesting this is a functionally important residue. The following publications have been ascertained in the context of this evaluation (PMID: , 23181747, 26365411, 31025160). ClinVar contains an entry for this variant (Variation ID: 804215). Based on the evidence outlined above, the variant was classified as likely pathogenic.

Unidade de Eritropatologia e Metabolismo do Ferro, Centro Hospitalar e Universitário de Coimbra
Classification: Pathogenic for alpha Thalassemia. Last evaluated: 2019-11-26. Review status: criteria provided, single submitter. Criteria: Bento et al. (Hemoglobin. 2012). Collection method: case-control. Allele origin: germline. Inheritance: Autosomal dominant inheritance. Affected: yes. Observed: 1 heterozygote. Not counted in ClinVar's aggregate classification.
Comment: The Hb variant HBA2:Cys105Arg (Hb Iberia) has been reported in six individuals with moderate microcytic hypochromic anemia from three unrelated families, living in Portugal and Spain (Iberian Peninsula), with autosomal dominant transmission, and was absent from large population studies. Although the mutant allele is transcribed, as indicated by the balanced mRNA alpha/beta ratio, the abnormal alpha 2 chain could not form a stable tetramer as the cysteine and arginine residues, located at the alpha1beta1 contact, differ in size, charge and hydrophobicity (Bento et al, 2012). The Cys105Arg variant meets our criteria to be classified as pathogenic based upon segregation studies, absence from controls and functional evidence.

Literature cited by the submitters: PubMed 23181747 (cited by Natera, Inc. and Women's Health and Genetics/Laboratory Corporation of America, LabCorp); PubMed 26365411 (cited by Natera, Inc. and Women's Health and Genetics/Laboratory Corporation of America, LabCorp); PubMed 31025160 (cited by Women's Health and Genetics/Laboratory Corporation of America, LabCorp).

NM_000517.6(HBA2):c.313T>C (p.Cys105Arg)

Genes: HBA2 (hemoglobin subunit alpha 2; plus strand), LOC106804612 (hemoglobin subunit alpha 2 recombination region; plus strand). Cytogenetic location: 16p13.3.
Variant type: single nucleotide variant.
Coding change: c.313T>C on transcript NM_000517.6 (MANE Select); coding-DNA position 313, T replaced by C.
Protein change: p.Cys105Arg; replaces cysteine 105 with arginine.
Molecular consequence: missense variant.
Genome position (GRCh38, 1-based): chr16:173,484, T>C. VCF-style: chr16-173484-T-C. GRCh37 (hg19) VCF-style: chr16-223483-T-C.
Other names: NM_000517.6(HBA2):c.313T>C; p.Cys105Arg; c.313T>C (NM_000517.5); short protein forms C105R.
Identifiers: ClinVar variation 804215 (VCV000804215.7), dbSNP rs1263969213, ClinGen allele CA393994398.